The following is an entry in ClinVar:

ClinVar aggregate classification (germline): Uncertain significance (1 of 4 stars; one submission).

Submission:

GeneDx
Classification: Uncertain significance. Last evaluated: 2024-01-22. Review status: criteria provided, single submitter. Criteria: GeneDx Variant Classification Process June 2021. Collection method: clinical testing. Allele origin: germline. Affected: yes.
Comment: Not observed at significant frequency in large population cohorts (gnomAD); In silico analysis supports that this missense variant has a deleterious effect on protein structure/function; Has not been previously published as pathogenic or benign to our knowledge

NM_001148.6(ANK2):c.1459G>C (p.Gly487Arg)

Gene: ANK2 (ankyrin 2; plus strand). Cytogenetic location: 4q26.
Variant type: single nucleotide variant.
Coding change: c.1459G>C on transcript NM_001148.6 (MANE Select); coding-DNA position 1459, G replaced by C.
Protein change: p.Gly487Arg; replaces glycine 487 with arginine.
Molecular consequence: missense variant.
Genome position (GRCh38, 1-based): chr4:113,264,969, G>C. VCF-style: chr4-113264969-G-C. GRCh37 (hg19) VCF-style: chr4-114186125-G-C.
Other names: c.1396G>C, p.Gly466Arg (NM_001127493.3, NM_001354239.2, NM_001354243.2 and 14 more transcripts); c.1459G>C, p.Gly487Arg (NM_001354225.2, NM_001354228.2, NM_001354232.2 and 8 more transcripts); c.1504G>C, p.Gly502Arg (NM_001354230.2, NM_001354231.2, NM_001354237.2 and 5 more transcripts); c.1372G>C, p.Gly458Arg (NM_001354249.2, NM_001354260.2, NM_001354264.2 and 13 more transcripts); c.1417G>C, p.Gly473Arg (NM_001354261.2, NM_001386147.1, NM_001386160.1); c.1249G>C, p.Gly417Arg (NM_001354269.3); c.1261G>C, p.Gly421Arg (NM_001354273.2); c.1174G>C, p.Gly392Arg (NM_001354277.2, NM_001386157.1, NM_001386158.1); and 4 more; short protein forms G392R, G417R, G421R, G458R, G466R, G473R, G475R, G483R.
Identifiers: ClinVar variation 3368159 (VCV003368159.1).